The following is an entry in ClinVar:

NM_001127222.2(CACNA1A):c.3526C>T (p.Pro1176Ser)

Gene: CACNA1A (calcium voltage-gated channel subunit alpha1 A; minus strand). Cytogenetic location: 19p13.13.
Variant type: single nucleotide variant.
Coding change: c.3526C>T on transcript NM_001127222.2 (MANE Select); coding-DNA position 3526, C replaced by T.
Protein change: p.Pro1176Ser; replaces proline 1176 with serine.
Molecular consequence: missense variant.
Genome position (GRCh38, 1-based): chr19:13,286,530, G>A on the plus strand (C>T on the coding strand, the complement: CACNA1A is on the minus strand). VCF-style: chr19-13286530-G-A. GRCh37 (hg19) VCF-style: chr19-13397344-G-A.
Other names: c.3538C>T, p.Pro1180Ser (NM_000068.4, NM_023035.3); c.3529C>T, p.Pro1177Ser (NM_001127221.2, NM_001174080.2); short protein forms P1180S, P1177S, P1176S.
Identifiers: ClinVar variation 846605 (VCV000846605.10), dbSNP rs1458640910, ClinGen allele CA404341190.

ClinVar aggregate classification (germline): Uncertain significance (1 of 4 stars; one submission).

Conditions:
Episodic ataxia type 2 (EA2). Also called: ACETAZOLAMIDE-RESPONSIVE HEREDITARY PAROXYSMAL CEREBELLAR ATAXIA; ATAXIA, EPISODIC, WITH NYSTAGMUS; ATAXIA, FAMILIAL PAROXYSMAL; CEREBELLAR ATAXIA, PAROXYSMAL, ACETAZOLAMIDE-RESPONSIVE; CEREBELLOPATHY, HEREDITARY PAROXYSMAL; EPISODIC ATAXIA, NYSTAGMUS-ASSOCIATED. Identifiers: Orphanet 97, MedGen C1720416, MONDO:0007163, OMIM 108500.
Developmental and epileptic encephalopathy, 42 (DEE42A). Also called: DEVELOPMENTAL AND EPILEPTIC ENCEPHALOPATHY 42A; EPILEPTIC ENCEPHALOPATHY, EARLY INFANTILE, 42A; Epileptic encephalopathy, early infantile, 42. Identifiers: MedGen C4310716, MONDO:0014917, OMIM 617106.

Allele frequency attached by ClinVar (database versions not stated): gnomAD 0.00002.
gnomAD v4.1: 6 of 1,489,866 alleles (0.0004%); highest among the groups gnomAD compares: Non-Finnish European, 0.00054%; no homozygotes.

Submission:

Labcorp Genetics (formerly Invitae), Labcorp
Classification: Uncertain significance for Developmental and epileptic encephalopathy, 42; Episodic ataxia type 2. Last evaluated: 2019-12-19. Review status: criteria provided, single submitter. Criteria: Invitae Variant Classification Sherloc (09022015). Collection method: clinical testing. Allele origin: germline.
Comment: In summary, the available evidence is currently insufficient to determine the role of this variant in disease. Therefore, it has been classified as a Variant of Uncertain Significance. Algorithms developed to predict the effect of missense changes on protein structure and function (SIFT, PolyPhen-2, Align-GVGD) all suggest that this variant is likely to be tolerated, but these predictions have not been confirmed by published functional studies and their clinical significance is uncertain. This variant has not been reported in the literature in individuals with CACNA1A-related conditions. This variant is not present in population databases (ExAC no frequency). This sequence change replaces proline with serine at codon 1177 of the CACNA1A protein (p.Pro1177Ser). The proline residue is weakly conserved and there is a moderate physicochemical difference between proline and serine.